The following is an entry in ClinVar:

NM_001134407.3(GRIN2A):c.3518A>G (p.His1173Arg)

Gene: GRIN2A (glutamate ionotropic receptor NMDA type subunit 2A; minus strand). Cytogenetic location: 16p13.2.
Variant type: single nucleotide variant.
Coding change: c.3518A>G on transcript NM_001134407.3 (MANE Select); coding-DNA position 3518, A replaced by G.
Protein change: p.His1173Arg; replaces histidine 1173 with arginine.
Molecular consequence: missense variant.
Genome position (GRCh38, 1-based): chr16:9,764,026, T>C on the plus strand (A>G on the coding strand, the complement: GRIN2A is on the minus strand). VCF-style: chr16-9764026-T-C. GRCh37 (hg19) VCF-style: chr16-9857883-T-C.
Other names: c.3518A>G (NM_000833.3); c.3518A>G, p.His1173Arg (NM_000833.5, NM_001134408.2); short protein forms H1173R.
Identifiers: ClinVar variation 1646661 (VCV001646661.9), dbSNP rs199975988, ClinGen allele CA277537159.

ClinVar aggregate classification (germline): Conflicting classifications of pathogenicity. Review status: criteria provided, conflicting classifications (1 of 4 stars). 2 submissions from 2 submitters: Uncertain significance (1); Likely benign (1). Last evaluated 2023-10-04.

Conditions:
Landau-Kleffner syndrome (FESD). Also called: EPILEPSY, FOCAL, WITH SPEECH DISORDER AND WITH OR WITHOUT MENTAL RETARDATION; APHASIA, ACQUIRED, WITH EPILEPSY. Identifiers: Orphanet 1945, Orphanet 725, Orphanet 98818, MedGen C0282512, MONDO:0009509, OMIM 245570.

Allele frequency attached by ClinVar (database versions not stated): gnomAD 0.00001; gnomAD exomes 0.00001; 1000 Genomes Project 30x 0.00016; TOPMed 0.00002; 1000 Genomes Project 0.00020.
gnomAD v4.1: 18 of 1,614,142 alleles (0.0011%); highest among the groups gnomAD compares: Non-Finnish European, 0.0015%; no homozygotes.

Submissions (2):

Labcorp Genetics (formerly Invitae), Labcorp
Classification: Likely benign for Landau-Kleffner syndrome. Last evaluated: 2023-10-04. Review status: criteria provided, single submitter. Criteria: Invitae Variant Classification Sherloc (09022015). Collection method: clinical testing. Allele origin: germline.

GeneDx
Classification: Uncertain significance. Last evaluated: 2023-05-08. Review status: criteria provided, single submitter. Criteria: GeneDx Variant Classification Process June 2021. Collection method: clinical testing. Allele origin: germline. Affected: yes.
Comment: Not observed at significant frequency in large population cohorts (gnomAD); In silico analysis supports that this missense variant does not alter protein structure/function; Has not been previously published as pathogenic or benign to our knowledge